The following is an entry in ClinVar:

NM_000458.4(HNF1B):c.1637T>C (p.Met546Thr)

Gene: HNF1B (HNF1 homeobox B; minus strand). Cytogenetic location: 17q12.
Variant type: single nucleotide variant.
Coding change: c.1637T>C on transcript NM_000458.4 (MANE Select); coding-DNA position 1637, T replaced by C.
Protein change: p.Met546Thr; replaces methionine 546 with threonine.
Molecular consequence: missense variant. On other transcripts: intron variant (1).
Genome position (GRCh38, 1-based): chr17:37,699,092, A>G on the plus strand (T>C on the coding strand, the complement: HNF1B is on the minus strand). VCF-style: chr17-37699092-A-G. GRCh37 (hg19) VCF-style: chr17-36059098-A-G.
Other names: c.1637T>C (NM_000458.3); c.1559T>C, p.Met520Thr (NM_001165923.4); c.1261+5825T>C (NM_001304286.2); short protein forms M520T, M546T.
Identifiers: ClinVar variation 1315884 (VCV001315884.7), dbSNP rs551889844, ClinGen allele CA8518785.

ClinVar aggregate classification (germline): Conflicting classifications of pathogenicity. Review status: criteria provided, conflicting classifications (1 of 4 stars). 3 submissions from 3 submitters: Uncertain significance (2); Likely benign (1). Last evaluated 2025-06-24.

Conditions:
HNF1B-related disorder. Also called: HNF1B-related condition; HNF1B-related disorders.

Allele frequency attached by ClinVar (database versions not stated): gnomAD 0.00009; gnomAD exomes 0.00010 and 0.00008; 1000 Genomes Project 30x 0.00016; TOPMed 0.00002; ExAC 0.00011; 1000 Genomes Project 0.00020.
gnomAD v4.1: 66 of 1,613,078 alleles (0.0041%); highest among the groups gnomAD compares: African/African-American, 0.0013%; no homozygotes.

Submissions (3):

Labcorp Genetics (formerly Invitae), Labcorp
Classification: Likely benign. Last evaluated: 2025-06-24. Review status: criteria provided, single submitter. Criteria: Invitae Variant Classification Sherloc (09022015). Collection method: clinical testing. Allele origin: germline.

GeneDx
Classification: Uncertain significance. Last evaluated: 2024-06-27. Review status: criteria provided, single submitter. Criteria: GeneDx Variant Classification Process June 2021. Collection method: clinical testing. Allele origin: germline. Affected: yes.
Comment: In silico analysis indicates that this missense variant does not alter protein structure/function; Has not been previously published as pathogenic or benign to our knowledge

PreventionGenetics, part of Exact Sciences
Classification: Uncertain significance for HNF1B-related condition. Last evaluated: 2023-04-19. Review status: criteria provided, single submitter. Criteria: ACMG Guidelines, 2015. Collection method: clinical testing. Allele origin: germline.
Comment: The HNF1B c.1637T>C variant is predicted to result in the amino acid substitution p.Met546Thr. To our knowledge, this variant has not been reported in the literature. This variant is reported in 0.076% of alleles in individuals of European (Finnish) descent in gnomAD. At this time, the clinical significance of this variant is uncertain due to the absence of conclusive functional and genetic evidence.